The following is an entry in ClinVar:

NM_003896.4(ST3GAL5):c.718A>C (p.Ile240Leu)

Gene: ST3GAL5 (ST3 beta-galactoside alpha-2,3-sialyltransferase 5; minus strand). Cytogenetic location: 2p11.2.
Variant type: single nucleotide variant.
Coding change: c.718A>C on transcript NM_003896.4 (MANE Select); coding-DNA position 718, A replaced by C.
Protein change: p.Ile240Leu; replaces isoleucine 240 with leucine.
Molecular consequence: missense variant. On other transcripts: 5 prime UTR variant (1).
Genome position (GRCh38, 1-based): chr2:85,846,508, T>G on the plus strand (A>C on the coding strand, the complement: ST3GAL5 is on the minus strand). VCF-style: chr2-85846508-T-G. GRCh37 (hg19) VCF-style: chr2-86073631-T-G.
Other names: c.649A>C, p.Ile217Leu (NM_001042437.2); c.334A>C, p.Ile112Leu (NM_001354223.2, NM_001354224.2, NM_001354226.2 and 3 more transcripts); c.634A>C, p.Ile212Leu (NM_001354227.2, NM_001354229.2, NM_001354238.1); c.-6A>C (NM_001354247.1); c.718A>C, p.Ile240Leu (NM_001363847.1); short protein forms I217L, I112L, I212L, I240L.
Identifiers: ClinVar variation 1392431 (VCV001392431.5), dbSNP rs1321129818, ClinGen allele CA347531167.
Genomic context (GRCh38, chr2:85,846,508, plus strand): 5'-AGTCATTGGAATAATATTCAAGGTCAGACAGTGGTGCGCCCTCTGGATAAGTCATCCTTA[T>G]AGTAGTTTTATTTCCAACATGTTCTGAATATCCCTCAACTGGTGCACTGTTTAACCTATT-3'
Protein context (NP_003887.3, residues 230-250): YSEHVGNKTT[Ile240Leu]RMTYPEGAPL

ClinVar aggregate classification (germline): Uncertain significance (1 of 4 stars; one submission).

Conditions:
GM3 synthase deficiency (SPDRS). Also called: AMISH INFANTILE EPILEPSY SYNDROME; SALT AND PEPPER MENTAL RETARDATION SYNDROME; SALT AND PEPPER DEVELOPMENTAL REGRESSION SYNDROME. Identifiers: Orphanet 171714, Orphanet 370933, MedGen C1836824, MONDO:0018274, OMIM 609056.

Allele frequency attached by ClinVar (database versions not stated): gnomAD exomes below 0.00001.

Submission:

Labcorp Genetics (formerly Invitae), Labcorp
Classification: Uncertain significance for GM3 synthase deficiency. Last evaluated: 2021-08-26. Review status: criteria provided, single submitter. Criteria: Invitae Variant Classification Sherloc (09022015). Collection method: clinical testing. Allele origin: germline.
Comment: This sequence change replaces isoleucine with leucine at codon 240 of the ST3GAL5 protein (p.Ile240Leu). The isoleucine residue is highly conserved and there is a small physicochemical difference between isoleucine and leucine. This variant is not present in population databases (ExAC no frequency). This variant has not been reported in the literature in individuals affected with ST3GAL5-related conditions. Algorithms developed to predict the effect of missense changes on protein structure and function are either unavailable or do not agree on the potential impact of this missense change (SIFT: "Deleterious"; PolyPhen-2: "Possibly Damaging"; Align-GVGD: "Class C0"). In summary, the available evidence is currently insufficient to determine the role of this variant in disease. Therefore, it has been classified as a Variant of Uncertain Significance.